The following is an entry in ClinVar:

NM_004336.5(BUB1):c.1667G>A (p.Arg556His)

Gene: BUB1 (BUB1 mitotic checkpoint serine/threonine kinase; minus strand). Cytogenetic location: 2q13.
Variant type: single nucleotide variant.
Coding change: c.1667G>A on transcript NM_004336.5 (MANE Select); coding-DNA position 1667, G replaced by A.
Protein change: p.Arg556His; replaces arginine 556 with histidine.
Molecular consequence: missense variant.
Genome position (GRCh38, 1-based): chr2:110,657,067, C>T on the plus strand (G>A on the coding strand, the complement: BUB1 is on the minus strand). VCF-style: chr2-110657067-C-T. GRCh37 (hg19) VCF-style: chr2-111414644-C-T.
Other names: c.1607G>A, p.Arg536His (NM_001278616.2); c.1667G>A, p.Arg556His (NM_001278617.2); short protein forms R536H, R556H.
Identifiers: ClinVar variation 1777591 (VCV001777591.2), dbSNP rs1393761545, ClinGen allele CA348211391.
Genomic context (GRCh38, chr2:110,657,067, plus strand): 5'-CATTTCATAGATAAAACAGGTTTGTTTACCTTTGGTTTTGAAGGAAGTCTGCTGACAGAG[C>T]GTTCTCCAAAGGTCCTGGCTCCTGTGGGTTTATTTTTAGGCTGTGGTAATCTAAGGAAAG-3'
Protein context (NP_004327.1, residues 546-566): KPTGARTFGE[Arg556His]SVSRLPSKPK

ClinVar aggregate classification (germline): Uncertain significance (1 of 4 stars; one submission).

Allele frequency attached by ClinVar (database versions not stated): TOPMed below 0.00001; gnomAD 0.00001.
gnomAD v4.1: 2 of 1,612,810 alleles (0.00012%); highest among the groups gnomAD compares: South Asian, 0.0011%; no homozygotes.

Submission:

Ambry Genetics
Classification: Uncertain significance. Last evaluated: 2023-11-30. Review status: criteria provided, single submitter. Criteria: Ambry Variant Classification Scheme 2023. Collection method: clinical testing. Allele origin: germline.
Comment: The p.R556H variant (also known as c.1667G>A), located in coding exon 15 of the BUB1 gene, results from a G to A substitution at nucleotide position 1667. The arginine at codon 556 is replaced by histidine, an amino acid with highly similar properties. This amino acid position is conserved. In addition, this alteration is predicted to be tolerated by in silico analysis. Since supporting evidence is limited at this time, the clinical significance of this alteration remains unclear.